The following is an entry in ClinVar:

NM_006019.4(TCIRG1):c.152T>C (p.Phe51Ser)

Gene: TCIRG1 (T cell immune regulator 1, ATPase H+ transporting V0 subunit a3; plus strand). Cytogenetic location: 11q13.2.
Variant type: single nucleotide variant.
Coding change: c.152T>C on transcript NM_006019.4 (MANE Select); coding-DNA position 152, T replaced by C.
Protein change: p.Phe51Ser; replaces phenylalanine 51 with serine.
Molecular consequence: missense variant. On other transcripts: 5 prime UTR variant (1).
Genome position (GRCh38, 1-based): chr11:68,041,787, T>C. VCF-style: chr11-68041787-T-C. GRCh37 (hg19) VCF-style: chr11-67809254-T-C.
Other names: c.-1098T>C (NM_001351059.2); short protein forms F51S.
Identifiers: ClinVar variation 3366018 (VCV003366018.3).

ClinVar aggregate classification (germline): Uncertain significance. Review status: criteria provided, multiple submitters, no conflicts (2 of 4 stars). 2 submissions from 2 submitters: Uncertain significance (2). Last evaluated 2025-12-01.

Submissions (2):

Labcorp Genetics (formerly Invitae), Labcorp
Classification: Uncertain significance. Last evaluated: 2025-12-01. Review status: criteria provided, single submitter. Criteria: Invitae Variant Classification Sherloc (09022015). Collection method: clinical testing. Allele origin: germline.
Comment: This sequence change replaces phenylalanine, which is neutral and non-polar, with serine, which is neutral and polar, at codon 51 of the TCIRG1 protein (p.Phe51Ser). This variant is present in population databases (rs138308753, gnomAD 0.002%). This variant has not been reported in the literature in individuals affected with TCIRG1-related conditions. ClinVar contains an entry for this variant (Variation ID: 3366018). Invitae Evidence Modeling of protein sequence and biophysical properties (such as structural, functional, and spatial information, amino acid conservation, physicochemical variation, residue mobility, and thermodynamic stability) indicates that this missense variant is expected to disrupt TCIRG1 protein function with a positive predictive value of 80%. In summary, the available evidence is currently insufficient to determine the role of this variant in disease. Therefore, it has been classified as a Variant of Uncertain Significance.

GeneDx
Classification: Uncertain significance. Last evaluated: 2023-10-15. Review status: criteria provided, single submitter. Criteria: GeneDx Variant Classification Process June 2021. Collection method: clinical testing. Allele origin: germline. Affected: yes.
Comment: In silico analysis supports that this missense variant has a deleterious effect on protein structure/function; Not observed at significant frequency in large population cohorts (gnomAD); Has not been previously published as pathogenic or benign to our knowledge; This variant is associated with the following publications: (PMID: 35573728)